The following is an entry in ClinVar:

NM_005751.5(AKAP9):c.4598G>A (p.Ser1533Asn)

Gene: AKAP9 (A-kinase anchoring protein 9; plus strand). Cytogenetic location: 7q21.2.
Variant type: single nucleotide variant.
Coding change: c.4598G>A on transcript NM_005751.5 (MANE Select); coding-DNA position 4598, G replaced by A.
Protein change: p.Ser1533Asn; replaces serine 1533 with asparagine.
Molecular consequence: missense variant.
Genome position (GRCh38, 1-based): chr7:92,038,678, G>A. VCF-style: chr7-92038678-G-A. GRCh37 (hg19) VCF-style: chr7-91667992-G-A.
Other names: c.4598G>A, p.Ser1533Asn (NM_147185.3); short protein forms S1533N.
Identifiers: ClinVar variation 1023062 (VCV001023062.11), dbSNP rs541209445, ClinGen allele CA4336595.

ClinVar aggregate classification (germline): Conflicting classifications of pathogenicity. Review status: criteria provided, conflicting classifications (1 of 4 stars). 3 submissions from 3 submitters: Uncertain significance (2); Likely benign (1). Last evaluated 2026-01-13.

Conditions:
Cardiovascular phenotype. Identifiers: MedGen CN230736.
Long QT syndrome (LQTS). Identifiers: MedGen C0023976, MeSH D008133, MONDO:0002442. Disease mechanism: loss of function. Inheritance: Various modes of inheritance.
Long QT syndrome 11 (LQT11). Identifiers: Orphanet 101016, Orphanet 768, MedGen C2678483, MONDO:0012738, OMIM 611820.

Allele frequency attached by ClinVar (database versions not stated): gnomAD exomes 0.00001 and 0.00002; ExAC 0.00003; gnomAD 0.00010; TOPMed 0.00010; 1000 Genomes Project 30x 0.00031; 1000 Genomes Project 0.00040.
gnomAD v4.1: 34 of 1,609,986 alleles (0.0021%); highest among the groups gnomAD compares: African/African-American, 0.04%; no homozygotes.

Submissions (3):

Labcorp Genetics (formerly Invitae), Labcorp
Classification: Uncertain significance for Long QT syndrome. Last evaluated: 2026-01-13. Review status: criteria provided, single submitter. Criteria: Invitae Variant Classification Sherloc (09022015). Collection method: clinical testing. Allele origin: germline.
Comment: This sequence change replaces serine, which is neutral and polar, with asparagine, which is neutral and polar, at codon 1533 of the AKAP9 protein (p.Ser1533Asn). This variant is present in population databases (rs541209445, gnomAD 0.04%). This variant has not been reported in the literature in individuals affected with AKAP9-related conditions. ClinVar contains an entry for this variant (Variation ID: 1023062). An algorithm developed to predict the effect of missense changes on protein structure and function outputs the following: PolyPhen-2: "Benign". The asparagine amino acid residue is found in multiple mammalian species, which suggests that this missense change does not adversely affect protein function. In summary, the available evidence is currently insufficient to determine the role of this variant in disease. Therefore, it has been classified as a Variant of Uncertain Significance.

Fulgent Genetics
Classification: Uncertain significance for Long QT syndrome 11. Last evaluated: 2021-09-07. Review status: criteria provided, single submitter. Criteria: ACMG Guidelines, 2015. Collection method: clinical testing. Allele origin: unknown.

Ambry Genetics
Classification: Likely benign for Cardiovascular phenotype. Last evaluated: 2019-06-06. Review status: criteria provided, single submitter. Criteria: Ambry Variant Classification Scheme 2023. Collection method: clinical testing. Allele origin: germline.